The following is an entry in ClinVar:

NM_030667.3(PTPRO):c.998C>T (p.Ser333Leu)

Gene: PTPRO (protein tyrosine phosphatase receptor type O; plus strand). Cytogenetic location: 12p12.3.
Variant type: single nucleotide variant.
Coding change: c.998C>T on transcript NM_030667.3 (MANE Select); coding-DNA position 998, C replaced by T.
Protein change: p.Ser333Leu; replaces serine 333 with leucine.
Molecular consequence: missense variant.
Genome position (GRCh38, 1-based): chr12:15,501,956, C>T. VCF-style: chr12-15501956-C-T. GRCh37 (hg19) VCF-style: chr12-15654890-C-T.
Other names: c.998C>T, p.Ser333Leu (NM_002848.4); short protein forms S333L.
Identifiers: ClinVar variation 1505962 (VCV001505962.7), dbSNP rs1942231092, ClinGen allele CA384026257.

ClinVar aggregate classification (germline): Uncertain significance. Review status: criteria provided, multiple submitters, no conflicts (2 of 4 stars). 2 submissions from 2 submitters: Uncertain significance (2). Last evaluated 2024-06-18.

Conditions:
Nephrotic syndrome, type 6 (NPHS6). Identifiers: Orphanet 656, MedGen C3280100, MONDO:0013619, OMIM 614196.

Allele frequency attached by ClinVar (database versions not stated): TOPMed below 0.00001.
gnomAD v4.1: 2 of 1,613,886 alleles (0.00012%); highest among the groups gnomAD compares: East Asian, 0.0045%; no homozygotes.

Submissions (2):

Fulgent Genetics
Classification: Uncertain significance for Nephrotic syndrome, type 6. Last evaluated: 2024-06-18. Review status: criteria provided, single submitter. Criteria: ACMG Guidelines, 2015. Collection method: clinical testing. Allele origin: germline.

Labcorp Genetics (formerly Invitae), Labcorp
Classification: Uncertain significance. Last evaluated: 2023-11-27. Review status: criteria provided, single submitter. Criteria: Invitae Variant Classification Sherloc (09022015). Collection method: clinical testing. Allele origin: germline.
Comment: This sequence change replaces serine, which is neutral and polar, with leucine, which is neutral and non-polar, at codon 333 of the PTPRO protein (p.Ser333Leu). This variant is not present in population databases (gnomAD no frequency). This variant has not been reported in the literature in individuals affected with PTPRO-related conditions. ClinVar contains an entry for this variant (Variation ID: 1505962). An algorithm developed to predict the effect of missense changes on protein structure and function (PolyPhen-2) suggests that this variant¬†is likely to be tolerated. In summary, the available evidence is currently insufficient to determine the role of this variant in disease. Therefore, it has been classified as a Variant of Uncertain Significance.